The following is an entry in ClinVar:

ClinVar aggregate classification (germline): Pathogenic. Review status: criteria provided, multiple submitters, no conflicts (2 of 4 stars). 5 submissions from 5 submitters: Pathogenic (4). 1 of the submissions does not count toward it. Last evaluated 2025-05-31.

Conditions:
Tuberous sclerosis 2 (TSC2). Identifiers: Orphanet 805, MedGen C1860707, MONDO:0013199, OMIM 613254.
Tuberous sclerosis syndrome (TSC). Also called: Tuberous Sclerosis Complex; Tuberous sclerosis. Identifiers: Orphanet 805, MedGen C0041341, MONDO:0001734.

Submissions (5):

GeneDx
Classification: Pathogenic. Last evaluated: 2025-05-31. Review status: criteria provided, single submitter. Criteria: GeneDx Variant Classification Process June 2021. Collection method: clinical testing. Allele origin: germline. Affected: yes.
Comment: Nonsense variant predicted to result in protein truncation or nonsense mediated decay in a gene for which loss of function is a known mechanism of disease; Not observed at significant frequency in large population cohorts (gnomAD); Has not been previously published as pathogenic or benign to our knowledge; This variant is associated with the following publications: (PMID: 25525159, 18466115, 15798777)

Labcorp Genetics (formerly Invitae), Labcorp
Classification: Pathogenic for Tuberous sclerosis 2. Last evaluated: 2024-04-22. Review status: criteria provided, single submitter. Criteria: Invitae Variant Classification Sherloc (09022015). Collection method: clinical testing. Allele origin: germline.
Comment: This sequence change creates a premature translational stop signal (p.Gln1714*) in the TSC2 gene. It is expected to result in an absent or disrupted protein product. Loss-of-function variants in TSC2 are known to be pathogenic (PMID: 10205261, 17304050). This variant is not present in population databases (gnomAD no frequency). This premature translational stop signal has been observed in individual(s) with TSC2-related conditions (PMID: 21520333). ClinVar contains an entry for this variant (Variation ID: 49351). For these reasons, this variant has been classified as Pathogenic.

Genome-Nilou Lab
Classification: Pathogenic for Tuberous sclerosis 2. Last evaluated: 2021-11-07. Review status: criteria provided, single submitter. Criteria: ACMG Guidelines, 2015. Collection method: clinical testing. Allele origin: germline. Affected: no.

ARUP Laboratories, Molecular Genetics and Genomics, ARUP Laboratories
Classification: Pathogenic. Last evaluated: 2016-09-01. Review status: criteria provided, single submitter. Criteria: ARUP Molecular Germline Variant Investigation Process. Collection method: clinical testing. Allele origin: germline.

Tuberous sclerosis database (TSC2)
No classification provided. Condition: TSC. Review status: no classification provided. Criteria: Tuberous Sclerosis Database Assertion Criteria 2015. Collection method: curation. Allele origin: germline. Affected: yes. Not counted in ClinVar's aggregate classification.

Literature cited by the submitters: PubMed 10205261 (cited by Labcorp Genetics (formerly Invitae), Labcorp); PubMed 17304050 (cited by Labcorp Genetics (formerly Invitae), Labcorp); PubMed 21520333 (cited by Labcorp Genetics (formerly Invitae), Labcorp).

NM_000548.5(TSC2):c.5140C>T (p.Gln1714Ter)

Gene: TSC2 (TSC complex subunit 2; plus strand). Cytogenetic location: 16p13.3.
Variant type: single nucleotide variant.
Coding change: c.5140C>T on transcript NM_000548.5 (MANE Select); coding-DNA position 5140, C replaced by T.
Protein change: p.Gln1714Ter; replaces glutamine 1714 with a stop codon.
Molecular consequence: nonsense.
Genome position (GRCh38, 1-based): chr16:2,088,119, C>T. VCF-style: chr16-2088119-C-T. GRCh37 (hg19) VCF-style: chr16-2138120-C-T.
Other names: c.4939C>T, p.Gln1647Ter (NM_001077183.3); c.5071C>T, p.Gln1691Ter (NM_001114382.3); c.4831C>T, p.Gln1611Ter (NM_001318827.2); c.4795C>T, p.Gln1599Ter (NM_001318829.2); c.4408C>T, p.Gln1470Ter (NM_001318831.2); c.4972C>T, p.Gln1658Ter (NM_001318832.2); c.4942C>T, p.Gln1648Ter (NM_001363528.2); c.5008C>T, p.Gln1670Ter (NM_001370404.1); and 1 more; short protein forms Q1714*, Q1658*, Q1691*, Q1470*, Q1611*, Q1648*, Q1670*, Q1671*.
Identifiers: ClinVar variation 49351 (VCV000049351.18), dbSNP rs45517396, ClinGen allele CA021852.